The following is an entry in ClinVar:

NM_000077.5(CDKN2A):c.269T>G (p.Phe90Cys)

Gene: CDKN2A (cyclin dependent kinase inhibitor 2A; minus strand). Cytogenetic location: 9p21.3.
Variant type: single nucleotide variant.
Coding change: c.269T>G on transcript NM_000077.5; coding-DNA position 269, T replaced by G.
Protein change: p.Phe90Cys; replaces phenylalanine 90 with cysteine.
Molecular consequence: missense variant (on NM_000077.6). On other transcripts: synonymous variant (1), 3 prime UTR variant (1).
Genome position (GRCh38, 1-based): chr9:21,971,090, A>C on the plus strand (T>G on the coding strand, the complement: CDKN2A is on the minus strand). VCF-style: chr9-21971090-A-C. GRCh37 (hg19) VCF-style: chr9-21971089-A-C.
Other names: c.269T>G, p.Phe90Cys (NM_000077.6, NM_001195132.2); c.116T>G, p.Phe39Cys (NM_001363763.2); c.312T>G, p.Leu104= (NM_058195.4); c.*192T>G (NM_058197.5); short protein forms F90C, F39C.
Identifiers: ClinVar variation 532291 (VCV000532291.8), dbSNP rs1554654069, ClinGen allele CA373086186.

ClinVar aggregate classification (germline): Uncertain significance (1 of 4 stars; one submission).

Conditions:
Familial melanoma. Also called: Hereditary melanoma; Hereditary cutaneous melanoma. Identifiers: Orphanet 618, MedGen C1512419, MONDO:0018961.

Submission:

Labcorp Genetics (formerly Invitae), Labcorp
Classification: Uncertain significance for Familial melanoma. Last evaluated: 2017-11-16. Review status: criteria provided, single submitter. Criteria: Invitae Variant Classification Sherloc (09022015). Collection method: clinical testing. Allele origin: germline.
Comment: In summary, the available evidence is currently insufficient to determine the role of this variant in disease. Therefore, it has been classified as a Variant of Uncertain Significance. Algorithms developed to predict the effect of missense changes on protein structure and function (SIFT, PolyPhen-2, Align-GVGD) all suggest that this variant is likely to be disruptive, but these predictions have not been confirmed by published functional studies and their clinical significance is uncertain. This variant has not been reported in the literature in individuals with CDKN2A (p16INK4a)-related disease. This variant is not present in population databases (ExAC no frequency). This sequence change replaces phenylalanine with cysteine at codon 90 of the CDKN2A (p16INK4a) protein (p.Phe90Cys). The phenylalanine residue is highly conserved and there is a large physicochemical difference between phenylalanine and cysteine.